The following continues an entry in ClinVar:

NM_152443.3(RDH12):c.295C>A (p.Leu99Ile)

ClinVar aggregate classification (germline): Pathogenic/Likely pathogenic. Pathogenic (15); Likely pathogenic (2).

Submissions 13 to 21 of 21:

Ocular Genomics Institute, Massachusetts Eye and Ear
Classification: Pathogenic for Leber congenital amaurosis 13. Last evaluated: 2021-04-08. Review status: criteria provided, single submitter. Criteria: ACMG Guidelines, 2015. Collection method: research. Allele origin: germline. Affected: yes.
Comment: Through a review of available evidence we were able to apply the following criteria: PM2, PM3, PS3, PP1-M. Based on this evidence we have classified this variant as Pathogenic.

Institute of Human Genetics, Univ. Regensburg, Univ. Regensburg
Classification: Pathogenic for Retinal dystrophy. Last evaluated: 2020-01-01. Review status: criteria provided, single submitter. Criteria: ACMG Guidelines, 2015. Collection method: clinical testing. Allele origin: germline. Affected: yes.

Mendelics
Classification: Pathogenic for Leber congenital amaurosis 13. Last evaluated: 2019-05-28. Review status: criteria provided, single submitter. Criteria: Mendelics Assertion Criteria 2017. Collection method: clinical testing. Allele origin: unknown.

Eurofins Ntd Llc (ga)
Classification: Pathogenic. Last evaluated: 2016-10-21. Review status: criteria provided, single submitter. Criteria: EGL Classification Definitions 2015. Collection method: clinical testing. Allele origin: germline. Observed: 1 variant allele, 1 heterozygote.

Clinical Genetics Service, Universitary Hospital 12 de Octubre
Classification: Pathogenic for Leber congenital amaurosis 13. Review status: criteria provided, single submitter. Criteria: ACMG Guidelines, 2015. Collection method: clinical testing. Allele origin: germline. Affected: yes.

Ocular Genomics Institute, Massachusetts Eye and Ear
Classification: Pathogenic for Retinitis pigmentosa. Last evaluated: 2019-08-01. Review status: no assertion criteria provided. Collection method: clinical testing. Allele origin: germline. Affected: yes. Observed: 1 variant allele. Not counted in ClinVar's aggregate classification.

Sharon lab, Hadassah-Hebrew University Medical Center
Classification: Pathogenic for Retinitis pigmentosa. Last evaluated: 2019-06-23. Review status: no assertion criteria provided. Collection method: research. Allele origin: inherited. Affected: yes. Not counted in ClinVar's aggregate classification.

OMIM
Classification: Pathogenic for LEBER CONGENITAL AMAUROSIS 13. Last evaluated: 2004-10-01. Review status: no assertion criteria provided. Collection method: literature only. Allele origin: germline. Not counted in ClinVar's aggregate classification.

Laboratory of Genetics in Ophthalmology, Institut Imagine
Classification: Pathogenic for Leber congenital amaurosis 13. Review status: no assertion criteria provided. Collection method: research. Allele origin: inherited. Affected: yes. Observed: 4 variant alleles. Not counted in ClinVar's aggregate classification.

Literature cited by the submitters: PubMed 15322982 (cited by 8 submitters); PubMed 22065924 (cited by 4 submitters); PubMed 24474277 (cited by Labcorp Genetics (formerly Invitae), Labcorp and Ocular Genomics Institute, Massachusetts Eye and Ear); PubMed 26306921 (cited by 4 submitters); PubMed 16269441 (cited by 4 submitters); PubMed 19011012 (cited by Natera, Inc.); PubMed 31736247 (cited by Dasa); PubMed 31814694 (cited by Dasa and Institute of Human Genetics, Univ. Regensburg, Univ. Regensburg); PubMed 34448047 (cited by Women's Health and Genetics/Laboratory Corporation of America, LabCorp and Institute of Human Genetics, Univ. Regensburg, Univ. Regensburg); PubMed 27032803 (cited by 4 submitters); PubMed 32014858 (cited by Ocular Genomics Institute, Massachusetts Eye and Ear); PubMed 26667666 (cited by 3 submitters); PubMed 23900199 (cited by 3 submitters); PubMed 22995991 (cited by Institute of Human Genetics, Univ. Regensburg, Univ. Regensburg); PubMed 27596865 (cited by Institute of Human Genetics, Univ. Regensburg, Univ. Regensburg); PubMed 31589614 (cited by Institute of Human Genetics, Univ. Regensburg, Univ. Regensburg); PubMed 31964843 (cited by Institute of Human Genetics, Univ. Regensburg, Univ. Regensburg); PubMed 32036094 (cited by Institute of Human Genetics, Univ. Regensburg, Univ. Regensburg); PubMed 32865313 (cited by Institute of Human Genetics, Univ. Regensburg, Univ. Regensburg); PubMed 31456290 (cited by Institute of Human Genetics, Univ. Regensburg, Univ. Regensburg); PubMed 32141364 (cited by Institute of Human Genetics, Univ. Regensburg, Univ. Regensburg); PubMed 36460718 (cited by Institute of Human Genetics, Univ. Regensburg, Univ. Regensburg); PubMed 36819107 (cited by Institute of Human Genetics, Univ. Regensburg, Univ. Regensburg).